The following is an entry in ClinVar:

NM_020340.5(ARFGEF3):c.5618G>A (p.Arg1873Lys)

Gene: ARFGEF3 (ARFGEF family member 3; plus strand). Cytogenetic location: 6q24.1.
Variant type: single nucleotide variant.
Coding change: c.5618G>A on transcript NM_020340.5 (MANE Select); coding-DNA position 5618, G replaced by A.
Protein change: p.Arg1873Lys; replaces arginine 1873 with lysine.
Molecular consequence: missense variant.
Genome position (GRCh38, 1-based): chr6:138,334,464, G>A. VCF-style: chr6-138334464-G-A. GRCh37 (hg19) VCF-style: chr6-138655601-G-A.
Other names: short protein forms R1873K.
Identifiers: ClinVar variation 3344490 (VCV003344490.1).
Genomic context (GRCh38, chr6:138,334,464, plus strand): 5'-AGCAGTGTTCATCTGAGGATGAAGACATCTTTGAGGAAACCGCCCAGGTCAGCCCCCCGA[G>A]AGGCAAGGAGAAGAGACAGTGGCGGGCACGGATGCCCTTGCTCAGCGTCCAGCCTGTCAG-3'
Protein context (NP_065073.3, residues 1863-1883): FEETAQVSPP[Arg1873Lys]GKEKRQWRAR

ClinVar aggregate classification (germline): Uncertain significance (0 of 4 stars; one submission).

Conditions:
ARFGEF3-related disorder. Also called: ARFGEF3-related condition.

Submission:

PreventionGenetics, part of Exact Sciences
Classification: Uncertain significance for ARFGEF3-related condition. Last evaluated: 2024-08-26. Review status: no assertion criteria provided. Collection method: clinical testing. Allele origin: germline.
Comment: The ARFGEF3 c.5618G>A variant is predicted to result in the amino acid substitution p.Arg1873Lys. To our knowledge, this variant has not been reported in the literature or in a large population database, indicating this variant is rare. At this time, the clinical significance of this variant is uncertain due to the absence of conclusive functional and genetic evidence.